The following is an entry in ClinVar:

ClinVar aggregate classification (germline): Uncertain significance (1 of 4 stars; one submission).

Conditions:
Familial cancer of breast. Also called: hereditary breast carcinoma; BREAST CANCER, FAMILIAL; Hereditary breast cancer. Identifiers: Orphanet 227535, MedGen C0346153, MONDO:0016419, OMIM 114480. Disease mechanism: loss of function.

Submission:

Labcorp Genetics (formerly Invitae), Labcorp
Classification: Uncertain significance for Familial cancer of breast. Last evaluated: 2024-09-23. Review status: criteria provided, single submitter. Criteria: Invitae Variant Classification Sherloc (09022015). Collection method: clinical testing. Allele origin: germline.
Comment: This sequence change replaces methionine, which is neutral and non-polar, with isoleucine, which is neutral and non-polar, at codon 621 of the BARD1 protein (p.Met621Ile). This variant is not present in population databases (gnomAD no frequency). This variant has not been reported in the literature in individuals affected with BARD1-related conditions. An algorithm developed to predict the effect of missense changes on protein structure and function outputs the following: PolyPhen-2: "Benign". The isoleucine amino acid residue is found in multiple mammalian species, which suggests that this missense change does not adversely affect protein function. Experimental studies have shown that this missense change does not substantially affect BARD1 function (PMID: 26350354). In summary, the available evidence is currently insufficient to determine the role of this variant in disease. Therefore, it has been classified as a Variant of Uncertain Significance.

Literature cited by the submitters: PubMed 26350354.

NM_000465.4(BARD1):c.1863G>A (p.Met621Ile)

Gene: BARD1 (BRCA1 associated RING domain 1; minus strand). Cytogenetic location: 2q35.
Variant type: single nucleotide variant.
Coding change: c.1863G>A on transcript NM_000465.4 (MANE Select); coding-DNA position 1863, G replaced by A.
Protein change: p.Met621Ile; replaces methionine 621 with isoleucine.
Molecular consequence: missense variant. On other transcripts: non-coding transcript variant (3), intron variant (1).
Genome position (GRCh38, 1-based): chr2:214,745,107, C>T on the plus strand (G>A on the coding strand, the complement: BARD1 is on the minus strand). VCF-style: chr2-214745107-C-T. GRCh37 (hg19) VCF-style: chr2-215609831-C-T.
Other names: c.1806G>A, p.Met602Ile (NM_001282543.2); c.510G>A, p.Met170Ile (NM_001282545.2); c.453G>A, p.Met151Ile (NM_001282548.2); c.365-14599G>A (NM_001282549.2); short protein forms M151I, M170I, M621I, M602I.
Identifiers: ClinVar variation 3685729 (VCV003685729.2).
Genomic context (GRCh38, chr2:214,745,107, plus strand): 5'-CTCTCAAATCCAACACTTACATTCAAATTTTAGAATCCAGCATCCATTGAGAATCCCAAG[C>T]ATACACTTCAAGGTACTTTGAACTGCATCACCAGGAACAACAACATGAGTTACTAAAATA-3'
Protein context (NP_000456.2, residues 611-631): GDAVQSTLKC[Met621Ile]LGILNGCWIL